The following is an entry in ClinVar:

ClinVar aggregate classification (germline): Uncertain significance (1 of 4 stars; one submission).

Conditions:
SMC1A-related disorder. Also called: SMC1A-related condition.

Submission:

PreventionGenetics, part of Exact Sciences
Classification: Uncertain significance for SMC1A-related condition. Last evaluated: 2023-02-13. Review status: criteria provided, single submitter. Criteria: ACMG Guidelines, 2015. Collection method: clinical testing. Allele origin: germline.
Comment: The SMC1A c.1337+5G>A variant is predicted to interfere with splicing. Based on available splicing prediction programs (Alamut Visual Plus v1.6.1) this variant is predicted to weaken the consensus splice donor site; however, to date this prediction has not been proven by functional studies. To our knowledge, this variant has not been reported in the literature or in a large population database, indicating this variant is rare. At this time, the clinical significance of this variant is uncertain due to the absence of conclusive functional and genetic evidence.

NM_006306.4(SMC1A):c.1337+5G>A

Gene: SMC1A (structural maintenance of chromosomes 1A; minus strand). Cytogenetic location: Xp11.22.
Variant type: single nucleotide variant.
Coding change: c.1337+5G>A on transcript NM_006306.4 (MANE Select); 5 bases into the intron after coding-DNA position 1337, G replaced by A.
Molecular consequence: intron variant.
Genome position (GRCh38, 1-based): chrX:53,409,416, C>T on the plus strand (G>A on the coding strand, the complement: SMC1A is on the minus strand). VCF-style: chrX-53409416-C-T. GRCh37 (hg19) VCF-style: chrX-53436347-C-T.
Other names: c.1271+5G>A (NM_001281463.1).
Identifiers: ClinVar variation 2630622 (VCV002630622.1), dbSNP rs2520944785, ClinGen allele CA2579615867.